The following is an entry in ClinVar:

NM_001256873.1(USP17L1):c.905A>T (p.Asp302Val)

Genes: FAM66B (family with sequence similarity 66 member B; minus strand), USP17L1 (ubiquitin specific peptidase 17 like family member 1). Cytogenetic location: 8p23.1.
Variant type: single nucleotide variant.
Coding change: c.905A>T on transcript NM_001256873.1 (MANE Select); coding-DNA position 905, A replaced by T.
Protein change: p.Asp302Val; replaces aspartic acid 302 with valine.
Molecular consequence: missense variant. On other transcripts: non-coding transcript variant (1).
Genome position (GRCh38, 1-based): chr8:7,333,291, A>T. VCF-style: chr8-7333291-A-T. GRCh37 (hg19) VCF-style: chr8-7190813-A-T.
Other names: short protein forms D302V.
Identifiers: ClinVar variation 2658356 (VCV002658356.24), dbSNP rs200139554, ClinGen allele CA4614638.
Genomic context (GRCh38, chr8:7,333,291, plus strand): 5'-GATTCTCCGATGTCGCAGGCAACAAACTTGCCAAGAATGTGCAATATCCTGAGTGCCTTG[A>T]CATGCAGCCATACATGTCTCAGCAGAACACAGGACCTCTTGTCTATGTCCTCTATGCTGT-3'
Protein context (NP_001243802.1, residues 292-312): AKNVQYPECL[Asp302Val]MQPYMSQQNT

ClinVar aggregate classification (germline): Likely benign (1 of 4 stars; one submission).

Allele frequency attached by ClinVar (database versions not stated): 1000 Genomes Project 30x 0.00031; gnomAD exomes 0.00115; gnomAD 0.00156; ExAC 0.00287.
gnomAD v4.1: 1,383 of 1,185,168 alleles (0.12%); highest among the groups gnomAD compares: Non-Finnish European, 0.099%; 47 homozygotes.

Submission:

CeGaT Center for Human Genetics Tuebingen
Classification: Likely benign. Last evaluated: 2022-11-01. Review status: criteria provided, single submitter. Criteria: CeGaT Center For Human Genetics Tuebingen Variant Classification Criteria Version 2. Collection method: clinical testing. Allele origin: germline. Affected: yes. Observed: 1 variant allele.
Comment: FAM66B: BS2; USP17L1: BS2